The following is an entry in ClinVar:

NM_000197.2(HSD17B3):c.242C>T (p.Thr81Met)

Genes: HSD17B3 (hydroxysteroid 17-beta dehydrogenase 3; minus strand), SLC35D2-HSD17B3 (SLC35D2-HSD17B3 readthrough; minus strand). Cytogenetic location: 9q22.32.
Variant type: single nucleotide variant.
Coding change: c.242C>T on transcript NM_000197.2 (MANE Select); coding-DNA position 242, C replaced by T.
Protein change: p.Thr81Met; replaces threonine 81 with methionine.
Molecular consequence: missense variant. On other transcripts: non-coding transcript variant (1).
Genome position (GRCh38, 1-based): chr9:96,254,903, G>A on the plus strand (C>T on the coding strand, the complement: HSD17B3 is on the minus strand). VCF-style: chr9-96254903-G-A. GRCh37 (hg19) VCF-style: chr9-99017185-G-A.
Other names: short protein forms T81M.
Identifiers: ClinVar variation 3366487 (VCV003366487.4).
Genomic context (GRCh38, chr9:96,254,903, plus strand): 5'-CTCCCTTATTTGGGGGGTCACTCACCGATCTCTGTGGCAATGGCCTCTAGTTTTTCCAGC[G>A]TCCGGCTAATAAGGACAACATTGAGTCCACGTTTTGCTAGCTGAGAGTGGGAGTGAAAAA-3'
Protein context (NP_000188.1, residues 71-91): RGLNVVLISR[Thr81Met]LEKLEAIATE

ClinVar aggregate classification (germline): Conflicting classifications of pathogenicity. Review status: criteria provided, conflicting classifications (1 of 4 stars). 3 submissions from 3 submitters: Likely pathogenic (1); Uncertain significance (2). Last evaluated 2026-04-22.

Conditions:
Differences in sex development.

gnomAD v4.1: 108 of 1,613,918 alleles (0.0067%); highest among the groups gnomAD compares: Admixed American, 0.0083%; 1 homozygote.

Submissions (3):

NHS Central & South Genomic Laboratory Hub
Classification: Likely pathogenic for Differences in sex development. Last evaluated: 2026-04-22. Review status: criteria provided, single submitter. Criteria: ACMG Guidelines, 2015. Collection method: clinical testing. Allele origin: germline. Affected: yes.

Labcorp Genetics (formerly Invitae), Labcorp
Classification: Uncertain significance. Last evaluated: 2025-09-25. Review status: criteria provided, single submitter. Criteria: Invitae Variant Classification Sherloc (09022015). Collection method: clinical testing. Allele origin: germline.
Comment: This sequence change replaces threonine, which is neutral and polar, with methionine, which is neutral and non-polar, at codon 81 of the HSD17B3 protein (p.Thr81Met). This variant is present in population databases (rs746859258, gnomAD 0.007%). This missense change has been observed in individuals with HSD17B3-related conditions (PMID: 33144682, 35134971, 38425490). ClinVar contains an entry for this variant (Variation ID: 3366487). Invitae Evidence Modeling of protein sequence and biophysical properties (such as structural, functional, and spatial information, amino acid conservation, physicochemical variation, residue mobility, and thermodynamic stability) indicates that this missense variant is expected to disrupt HSD17B3 protein function with a positive predictive value of 80%. In summary, the available evidence is currently insufficient to determine the role of this variant in disease. Therefore, it has been classified as a Variant of Uncertain Significance.

Women's Health and Genetics/Laboratory Corporation of America, LabCorp
Classification: Uncertain significance. Last evaluated: 2024-08-06. Review status: criteria provided, single submitter. Criteria: LabCorp Variant Classification Summary - May 2015. Collection method: clinical testing. Allele origin: germline.
Comment: Variant summary: HSD17B3 c.242C>T (p.Thr81Met) results in a non-conservative amino acid change in the encoded protein sequence. Five of five in-silico tools predict a damaging effect of the variant on protein function. The variant allele was found at a frequency of 3.2e-05 in 251192 control chromosomes. c.242C>T has been reported in the literature in individuals affected with Testosterone 17-beta-dehydrogenase deficiency (examples:Wang_2024, Gomes_2022, Klee_2021). These data indicate that the variant may be associated with disease. To our knowledge, no experimental evidence demonstrating an impact on protein function has been reported. The following publications have been ascertained in the context of this evaluation (PMID: 35134971, 33144682, 38425490). No submitters have cited clinical-significance assessments for this variant to ClinVar. Based on the evidence outlined above, the variant was classified as VUS-possibly pathogenic.

Literature cited by the submitters: PubMed 33144682 (cited by Labcorp Genetics (formerly Invitae), Labcorp and Women's Health and Genetics/Laboratory Corporation of America, LabCorp); PubMed 35134971 (cited by Labcorp Genetics (formerly Invitae), Labcorp and Women's Health and Genetics/Laboratory Corporation of America, LabCorp); PubMed 38425490 (cited by Labcorp Genetics (formerly Invitae), Labcorp and Women's Health and Genetics/Laboratory Corporation of America, LabCorp).